The following is an entry in ClinVar:

NM_006073.4(TRDN):c.299C>T (p.Thr100Met)

Gene: TRDN (triadin; minus strand). Cytogenetic location: 6q22.31.
Variant type: single nucleotide variant.
Coding change: c.299C>T on transcript NM_006073.4 (MANE Select); coding-DNA position 299, C replaced by T.
Protein change: p.Thr100Met; replaces threonine 100 with methionine.
Molecular consequence: missense variant.
Genome position (GRCh38, 1-based): chr6:123,548,546, G>A on the plus strand (C>T on the coding strand, the complement: TRDN is on the minus strand). VCF-style: chr6-123548546-G-A. GRCh37 (hg19) VCF-style: chr6-123869691-G-A.
Other names: c.299C>T, p.Thr100Met (NM_001251987.2, NM_001256020.2, NM_001256021.2 and 2 more transcripts); short protein forms T100M.
Identifiers: ClinVar variation 5031097 (VCV005031097.1).

ClinVar aggregate classification (germline): Uncertain significance (1 of 4 stars; one submission).

Conditions:
Cardiovascular phenotype. Identifiers: MedGen CN230736.

Submission:

Ambry Genetics
Classification: Uncertain significance for Cardiovascular phenotype. Last evaluated: 2026-07-06. Review status: criteria provided, single submitter. Criteria: Ambry Variant Classification Scheme 2023. Collection method: clinical testing. Allele origin: germline.
Comment: The p.T100M variant (also known as c.299C>T), located in coding exon 3 of the TRDN gene, results from a C to T substitution at nucleotide position 299. The threonine at codon 100 is replaced by methionine, an amino acid with similar properties. This amino acid position is conserved. In addition, the in silico prediction for this alteration is inconclusive. Based on the available evidence, the clinical significance of this variant remains unclear.